The following is an entry in ClinVar:

ClinVar aggregate classification (germline): Uncertain significance (1 of 4 stars; one submission).

Conditions:
Fanconi anemia (FA). Also called: Fanconi's anemia. Identifiers: Orphanet 84, MedGen C0015625, MeSH D005199, MONDO:0019391.

gnomAD v4.1: 4 of 1,614,240 alleles (0.00025%); highest among the groups gnomAD compares: Admixed American, 0.005%; no homozygotes.

Submission:

Labcorp Genetics (formerly Invitae), Labcorp
Classification: Uncertain significance for Fanconi anemia. Last evaluated: 2025-10-26. Review status: criteria provided, single submitter. Criteria: Invitae Variant Classification Sherloc (09022015). Collection method: clinical testing. Allele origin: germline.
Comment: This sequence change replaces alanine, which is neutral and non-polar, with valine, which is neutral and non-polar, at codon 31 of the FANCL protein (p.Ala31Val). This variant is present in population databases (rs762338908, gnomAD 0.009%). This variant has not been reported in the literature in individuals affected with FANCL-related conditions. An algorithm developed to predict the effect of missense changes on protein structure and function outputs the following: PolyPhen-2: "Benign". The valine amino acid residue is found in multiple mammalian species, which suggests that this missense change does not adversely affect protein function. In summary, the available evidence is currently insufficient to determine the role of this variant in disease. Therefore, it has been classified as a Variant of Uncertain Significance.

NM_018062.4(FANCL):c.92C>T (p.Ala31Val)

Gene: FANCL (FA complementation group L; minus strand). Cytogenetic location: 2p16.1.
Variant type: single nucleotide variant.
Coding change: c.92C>T on transcript NM_018062.4 (MANE Select); coding-DNA position 92, C replaced by T.
Protein change: p.Ala31Val; replaces alanine 31 with valine.
Molecular consequence: missense variant. On other transcripts: non-coding transcript variant (2).
Genome position (GRCh38, 1-based): chr2:58,241,222, G>A on the plus strand (C>T on the coding strand, the complement: FANCL is on the minus strand). VCF-style: chr2-58241222-G-A. GRCh37 (hg19) VCF-style: chr2-58468357-G-A.
Other names: c.92C>T, p.Ala31Val (NM_001114636.2, NM_001374615.1, NM_001410792.1 and 4 more transcripts); short protein forms A31V.
Identifiers: ClinVar variation 4750177 (VCV004750177.1).